The following is an entry in ClinVar:

NM_001365999.1(SZT2):c.3481G>A (p.Glu1161Lys)

Gene: SZT2 (SZT2 subunit of KICSTOR complex; plus strand). Cytogenetic location: 1p34.2.
Variant type: single nucleotide variant.
Coding change: c.3481G>A on transcript NM_001365999.1 (MANE Select); coding-DNA position 3481, G replaced by A.
Protein change: p.Glu1161Lys; replaces glutamic acid 1161 with lysine.
Molecular consequence: missense variant.
Genome position (GRCh38, 1-based): chr1:43,427,328, G>A. VCF-style: chr1-43427328-G-A. GRCh37 (hg19) VCF-style: chr1-43892999-G-A.
Other names: c.3310G>A, p.Glu1104Lys (NM_015284.4); short protein forms E1104K, E1161K.
Identifiers: ClinVar variation 1345329 (VCV001345329.8), dbSNP rs2153933359, ClinGen allele CA340017934.

ClinVar aggregate classification (germline): Uncertain significance (1 of 4 stars; one submission).

gnomAD v4.1: 1 of 1,613,904 alleles (0.000062%); highest among the groups gnomAD compares: Middle Eastern, 0.017%; no homozygotes.

Submission:

Labcorp Genetics (formerly Invitae), Labcorp
Classification: Uncertain significance. Last evaluated: 2020-11-10. Review status: criteria provided, single submitter. Criteria: Invitae Variant Classification Sherloc (09022015). Collection method: clinical testing. Allele origin: germline.
Comment: In summary, the available evidence is currently insufficient to determine the role of this variant in disease. Therefore, it has been classified as a Variant of Uncertain Significance. Algorithms developed to predict the effect of missense changes on protein structure and function (SIFT, PolyPhen-2, Align-GVGD) all suggest that this variant is likely to be tolerated, but these predictions have not been confirmed by published functional studies and their clinical significance is uncertain. This variant has not been reported in the literature in individuals with SZT2-related conditions. This variant is not present in population databases (ExAC no frequency). This sequence change replaces glutamic acid with lysine at codon 1104 of the SZT2 protein (p.Glu1104Lys). The glutamic acid residue is highly conserved and there is a small physicochemical difference between glutamic acid and lysine.